The following is an entry in ClinVar:

NM_001378120.1(MBD5):c.1475C>T (p.Ser492Leu)

Gene: MBD5 (methyl-CpG binding domain protein 5; plus strand). Cytogenetic location: 2q23.1.
Variant type: single nucleotide variant.
Coding change: c.1475C>T on transcript NM_001378120.1 (MANE Select); coding-DNA position 1475, C replaced by T.
Protein change: p.Ser492Leu; replaces serine 492 with leucine.
Molecular consequence: missense variant.
Genome position (GRCh38, 1-based): chr2:148,469,418, C>T. VCF-style: chr2-148469418-C-T. GRCh37 (hg19) VCF-style: chr2-149226987-C-T.
Other names: c.1475C>T, p.Ser492Leu (NM_018328.5); short protein forms S492L.
Identifiers: ClinVar variation 2770343 (VCV002770343.3), dbSNP rs1459833322, ClinGen allele CA348719765.

ClinVar aggregate classification (germline): Uncertain significance (1 of 4 stars; one submission).

Conditions:
Intellectual developmental disorder, autosomal dominant 1. Also called: MBD5 Haploinsufficiency; Intellectual disability, autosomal dominant 1. Identifiers: Orphanet 228402, MedGen C1969562, MONDO:0007974, OMIM 156200.

Allele frequency attached by ClinVar (database versions not stated): gnomAD exomes below 0.00001.
gnomAD v4.1: 1 of 1,613,832 alleles (0.000062%); highest among the groups gnomAD compares: Non-Finnish European, 0.000085%; no homozygotes.

Submission:

Labcorp Genetics (formerly Invitae), Labcorp
Classification: Uncertain significance for Intellectual developmental disorder, autosomal dominant 1. Last evaluated: 2023-11-04. Review status: criteria provided, single submitter. Criteria: Invitae Variant Classification Sherloc (09022015). Collection method: clinical testing. Allele origin: germline.
Comment: This sequence change replaces serine, which is neutral and polar, with leucine, which is neutral and non-polar, at codon 492 of the MBD5 protein (p.Ser492Leu). This variant is present in population databases (no rsID available, gnomAD 0.0009%). This variant has not been reported in the literature in individuals affected with MBD5-related conditions. Advanced modeling of protein sequence and biophysical properties (such as structural, functional, and spatial information, amino acid conservation, physicochemical variation, residue mobility, and thermodynamic stability) performed at Invitae indicates that this missense variant is not expected to disrupt MBD5 protein function with a negative predictive value of 80%. In summary, the available evidence is currently insufficient to determine the role of this variant in disease. Therefore, it has been classified as a Variant of Uncertain Significance.